The following is an entry in ClinVar:

NM_000278.5(PAX2):c.331G>A (p.Ala111Thr)

Gene: PAX2 (paired box 2; plus strand). Cytogenetic location: 10q24.31.
Variant type: single nucleotide variant.
Coding change: c.331G>A on transcript NM_000278.5 (MANE Select); coding-DNA position 331, G replaced by A.
Protein change: p.Ala111Thr; replaces alanine 111 with threonine.
Molecular consequence: missense variant.
Genome position (GRCh38, 1-based): chr10:100,750,812, G>A. VCF-style: chr10-100750812-G-A. GRCh37 (hg19) VCF-style: chr10-102510569-G-A.
Other names: c.424G>A, p.Ala142Thr (NM_001304569.2); c.331G>A, p.Ala111Thr (NM_003987.5, NM_003988.5, NM_003989.5 and 1 more transcripts); short protein forms A111T, A142T.
Identifiers: ClinVar variation 3340588 (VCV003340588.1).

ClinVar aggregate classification (germline): Pathogenic (1 of 4 stars; one submission).

Submission:

GeneDx
Classification: Pathogenic. Last evaluated: 2023-12-14. Review status: criteria provided, single submitter. Criteria: GeneDx Variant Classification Process June 2021. Collection method: clinical testing. Allele origin: germline. Affected: yes.
Comment: Not observed at significant frequency in large population cohorts (gnomAD); In silico analysis supports that this missense variant has a deleterious effect on protein structure/function; This variant is associated with the following publications: (PMID: 22213154, 28566479, 15561999)